The following is an entry in ClinVar:

NM_000528.4(MAN2B1):c.912C>G (p.Gly304=)

Gene: MAN2B1 (mannosidase alpha class 2B member 1; minus strand). Cytogenetic location: 19p13.13.
Variant type: single nucleotide variant.
Coding change: c.912C>G on transcript NM_000528.4 (MANE Select); coding-DNA position 912, C replaced by G.
Protein change: p.Gly304=; no amino-acid change (glycine 304 retained).
Molecular consequence: synonymous variant.
Genome position (GRCh38, 1-based): chr19:12,661,374, G>C on the plus strand (C>G on the coding strand, the complement: MAN2B1 is on the minus strand). VCF-style: chr19-12661374-G-C. GRCh37 (hg19) VCF-style: chr19-12772188-G-C.
Other names: c.912C>G, p.Gly304= (NM_001173498.2).
Identifiers: ClinVar variation 3234586 (VCV003234586.20), dbSNP rs2512508337, ClinGen allele CA505625202.

ClinVar aggregate classification (germline): Likely benign (1 of 4 stars; one submission).

Submission:

CeGaT Center for Human Genetics Tuebingen
Classification: Likely benign. Last evaluated: 2024-04-01. Review status: criteria provided, single submitter. Criteria: CeGaT Center For Human Genetics Tuebingen Variant Classification Criteria Version 2. Collection method: clinical testing. Allele origin: germline. Affected: yes. Observed: 1 variant allele.
Comment: MAN2B1: PM2:Supporting, BP4, BP7